The following is an entry in ClinVar:

NM_207122.2(EXT2):c.303G>T (p.Lys101Asn)

Gene: EXT2 (exostosin glycosyltransferase 2; plus strand). Cytogenetic location: 11p11.2.
Variant type: single nucleotide variant.
Coding change: c.303G>T on transcript NM_207122.2 (MANE Select); coding-DNA position 303, G replaced by T.
Protein change: p.Lys101Asn; replaces lysine 101 with asparagine.
Molecular consequence: missense variant.
Genome position (GRCh38, 1-based): chr11:44,108,015, G>T. VCF-style: chr11-44108015-G-T. GRCh37 (hg19) VCF-style: chr11-44129565-G-T.
Other names: c.402G>T, p.Lys134Asn (NM_000401.3); c.303G>T, p.Lys101Asn (NM_001178083.3, NM_001389628.1, NM_001389630.1); short protein forms K134N, K101N.
Identifiers: ClinVar variation 3657709 (VCV003657709.2).

ClinVar aggregate classification (germline): Uncertain significance (1 of 4 stars; one submission).

Conditions:
Exostoses, multiple, type 2 (EXT2). Also called: Hereditary Multiple Osteochondromatosis, Type II; EXOSTOSES, MULTIPLE, TYPE II. Identifiers: Orphanet 321, MedGen C1851413, MONDO:0007586, OMIM 133701.

Submission:

Labcorp Genetics (formerly Invitae), Labcorp
Classification: Uncertain significance for Exostoses, multiple, type 2. Last evaluated: 2024-07-18. Review status: criteria provided, single submitter. Criteria: Invitae Variant Classification Sherloc (09022015). Collection method: clinical testing. Allele origin: germline.
Comment: This sequence change replaces lysine, which is basic and polar, with asparagine, which is neutral and polar, at codon 101 of the EXT2 protein (p.Lys101Asn). This variant is not present in population databases (gnomAD no frequency). This variant has not been reported in the literature in individuals affected with EXT2-related conditions. An algorithm developed to predict the effect of missense changes on protein structure and function (PolyPhen-2) suggests that this variant is likely to be tolerated. In summary, the available evidence is currently insufficient to determine the role of this variant in disease. Therefore, it has been classified as a Variant of Uncertain Significance.